The following is an entry in ClinVar:

ClinVar aggregate classification (germline): Pathogenic (0 of 4 stars; one submission).

Conditions:
Alport syndrome. Also called: Hemorrhagic familial nephritis; Hemorrhagic hereditary nephritis; Congenital hereditary hematuria. Identifiers: Orphanet 63, MedGen C1567741, MONDO:0018965.

Submission:

Sydney Genome Diagnostics, Children's Hospital Westmead
Classification: Pathogenic for Alport syndrome. Last evaluated: 2018-05-29. Review status: no assertion criteria provided. Collection method: clinical testing. Allele origin: unknown. Affected: yes. Observed: 1 variant allele, 1 heterozygote.
Comment: This variant results in the substitution of one of the invariant glycine residues in the triple helical domain of type 4 collagen. The variant has not been reported in any population databases (i.e. ExAC, ESP or dbSNP) but is listed in COL4A5 LOVD. Other variants affecting the same amino acid (p.Gly1104) have also been reported in the Alport database, p.Gly1104Val and COL4A5 LOVD, p.Gly1104Asp. This variant is considered to be a pathogenic according to the ACMG guidelines.

NM_033380.3(COL4A5):c.3310G>C (p.Gly1104Arg)

Gene: COL4A5 (collagen type IV alpha 5 chain; plus strand). Cytogenetic location: Xq22.3.
Variant type: single nucleotide variant.
Coding change: c.3310G>C on transcript NM_033380.3 (MANE Select); coding-DNA position 3310, G replaced by C.
Protein change: p.Gly1104Arg; replaces glycine 1104 with arginine.
Molecular consequence: missense variant.
Genome position (GRCh38, 1-based): chrX:108,655,394, G>C. VCF-style: chrX-108655394-G-C. GRCh37 (hg19) VCF-style: chrX-107898624-G-C.
Other names: c.3310G>C, p.Gly1104Arg (NM_000495.5); short protein forms G1104R.
Identifiers: ClinVar variation 988114 (VCV000988114.1), dbSNP rs1569504072, ClinGen allele CA413857422.